The following is an entry in ClinVar:

ClinVar aggregate classification (germline): Uncertain significance (1 of 4 stars; one submission).

Conditions:
ALMS1-related disorder. Also called: ALMS1-related condition.

Allele frequency attached by ClinVar (database versions not stated): TOPMed below 0.00001.

Submission:

PreventionGenetics, part of Exact Sciences
Classification: Uncertain significance for ALMS1-related condition. Last evaluated: 2023-08-21. Review status: criteria provided, single submitter. Criteria: ACMG Guidelines, 2015. Collection method: clinical testing. Allele origin: germline.
Comment: The ALMS1 c.3809C>T variant is predicted to result in the amino acid substitution p.Pro1270Leu. To our knowledge, this variant has not been reported in the literature. This variant is reported in 0.0041% of alleles in individuals of African descent in gnomAD. At this time, the clinical significance of this variant is uncertain due to the absence of conclusive functional and genetic evidence.

NM_001378454.1(ALMS1):c.3806C>T (p.Ser1269Phe)

Gene: ALMS1 (ALMS1 centrosome and basal body associated protein; plus strand). Cytogenetic location: 2p13.1.
Variant type: single nucleotide variant.
Coding change: c.3806C>T on transcript NM_001378454.1 (MANE Select); coding-DNA position 3806, C replaced by T.
Protein change: p.Ser1269Phe; replaces serine 1269 with phenylalanine.
Molecular consequence: missense variant.
Genome position (GRCh38, 1-based): chr2:73,450,333, C>T. VCF-style: chr2-73450333-C-T. GRCh37 (hg19) VCF-style: chr2-73677460-C-T.
Other names: c.3809C>T, p.Ser1270Phe (NM_015120.4); short protein forms S1269F, S1270F.
Identifiers: ClinVar variation 2634294 (VCV002634294.1), dbSNP rs1671905218, ClinGen allele CA347276764.
Genomic context (GRCh38, chr2:73,450,333, plus strand): 5'-ACCAACAGGTCTTGCCAGATAATCATCCAACTGAAGAGGCTCTGAAAATTTCAGTTGCCT[C>T]TGAACCAGTTGACCAGACAACTGGCACACCAGCTGTAACCTCTACTTCCTACTCACAATA-3'
Protein context (NP_001365383.1, residues 1259-1279): TEEALKISVA[Ser1269Phe]EPVDQTTGTP